The following is an entry in ClinVar:

NM_000368.5(TSC1):c.585C>T (p.Tyr195=)

Gene: TSC1 (TSC complex subunit 1; minus strand). Cytogenetic location: 9q34.13.
Variant type: single nucleotide variant.
Coding change: c.585C>T on transcript NM_000368.5 (MANE Select); coding-DNA position 585, C replaced by T.
Protein change: p.Tyr195=; no amino-acid change (tyrosine 195 retained).
Molecular consequence: synonymous variant.
Genome position (GRCh38, 1-based): chr9:132,921,897, G>A on the plus strand (C>T on the coding strand, the complement: TSC1 is on the minus strand). VCF-style: chr9-132921897-G-A. GRCh37 (hg19) VCF-style: chr9-135797284-G-A.
Other names: c.585C>T, p.Tyr195= (NM_001162426.2); c.432C>T, p.Tyr144= (NM_001162427.2); c.222C>T, p.Tyr74= (NM_001362177.2).
Identifiers: ClinVar variation 1108972 (VCV001108972.13), dbSNP rs118203407, ClinGen allele CA467593802.
Genomic context (GRCh38, chr9:132,921,897, plus strand): 5'-AGTCTCCAGGTTTTCTTTCATACTGTAATGAGAACGCAAAAAGGAGACGAAGTTGCAAGG[G>A]TACATTCCATAAAGGCGATGAAAGAGTGCGTACACACTGGCATGGAGATGGACGAGATAG-3'
Protein context (NP_000359.1, residues 185-205): YALFHRLYGM[Tyr195=]PCNFVSFLRS

ClinVar aggregate classification (germline): Benign/Likely benign. Review status: criteria provided, multiple submitters, no conflicts (2 of 4 stars). 4 submissions from 4 submitters: Benign (1); Likely benign (3). Last evaluated 2025-04-08.

Conditions:
Hereditary cancer-predisposing syndrome. Also called: Hereditary neoplastic syndrome; Tumor predisposition; Neoplastic Syndromes, Hereditary; Hereditary Cancer Syndrome. Identifiers: Orphanet 140162, MedGen C0027672, MeSH D009386, MONDO:0015356.
Tuberous sclerosis 1 (TSC1). Identifiers: Orphanet 805, MedGen C1854465, MONDO:0008612, OMIM 191100.
Isolated focal cortical dysplasia type II (FCORD2). Also called: CORTICAL DYSPLASIA OF TAYLOR; Focal cortical dysplasia type II. Identifiers: Orphanet 268994, MedGen C1846385, MONDO:0011818, OMIM 607341, HP:0032051.
Lymphangiomyomatosis (LAM). Also called: Lymphangioleiomyomatosis; Lymphangioleiomyomatosis, somatic. Identifiers: Orphanet 538, MedGen C0751674, MONDO:0011705, OMIM 606690.

Submissions (4):

Myriad Genetics, Inc.
Classification: Benign for Tuberous sclerosis 1. Last evaluated: 2025-04-08. Review status: criteria provided, single submitter. Criteria: Myriad Autosomal Dominant, Autosomal Recessive and X-Linked Classification Criteria (2023). Collection method: clinical testing. Allele origin: unknown.
Comment: This variant is considered benign. This variant is a silent/synonymous amino acid change and it is not expected to impact splicing.

Labcorp Genetics (formerly Invitae), Labcorp
Classification: Likely benign for Tuberous sclerosis 1. Last evaluated: 2024-08-21. Review status: criteria provided, single submitter. Criteria: Invitae Variant Classification Sherloc (09022015). Collection method: clinical testing. Allele origin: germline.

Fulgent Genetics
Classification: Likely benign for Tuberous sclerosis 1; Lymphangiomyomatosis; Isolated focal cortical dysplasia type II. Last evaluated: 2021-11-30. Review status: criteria provided, single submitter. Criteria: ACMG Guidelines, 2015. Collection method: clinical testing. Allele origin: unknown.

Ambry Genetics
Classification: Likely benign for Hereditary cancer-predisposing syndrome. Last evaluated: 2021-04-07. Review status: criteria provided, single submitter. Criteria: Ambry Variant Classification Scheme 2023. Collection method: clinical testing. Allele origin: germline.